The following is an entry in ClinVar:

ClinVar aggregate classification (germline): Uncertain significance (1 of 4 stars; one submission).

Submission:

GeneDx
Classification: Uncertain significance. Last evaluated: 2023-07-24. Review status: criteria provided, single submitter. Criteria: GeneDx Variant Classification Process June 2021. Collection method: clinical testing. Allele origin: germline. Affected: yes.
Comment: Not observed at significant frequency in large population cohorts (gnomAD); In silico analysis supports that this missense variant has a deleterious effect on protein structure/function; Has not been previously published as pathogenic or benign to our knowledge

NM_020937.4(FANCM):c.53G>C (p.Arg18Pro)

Genes: FANCM (FA complementation group M; plus strand), LOC130055524 (ATAC-STARR-seq lymphoblastoid active region 8299; plus strand). Cytogenetic location: 14q21.2.
Variant type: single nucleotide variant.
Coding change: c.53G>C on transcript NM_020937.4 (MANE Select); coding-DNA position 53, G replaced by C.
Protein change: p.Arg18Pro; replaces arginine 18 with proline.
Molecular consequence: missense variant.
Genome position (GRCh38, 1-based): chr14:45,136,084, G>C. VCF-style: chr14-45136084-G-C. GRCh37 (hg19) VCF-style: chr14-45605287-G-C.
Other names: c.53G>C, p.Arg18Pro (NM_001308133.2, NM_001308134.2); short protein forms R18P.
Identifiers: ClinVar variation 3361332 (VCV003361332.1).